The following is an entry in ClinVar:

NM_000057.4(BLM):c.1147A>G (p.Ile383Val)

Gene: BLM (BLM RecQ like helicase; plus strand). Cytogenetic location: 15q26.1.
Variant type: single nucleotide variant.
Coding change: c.1147A>G on transcript NM_000057.4 (MANE Select); coding-DNA position 1147, A replaced by G.
Protein change: p.Ile383Val; replaces isoleucine 383 with valine.
Molecular consequence: missense variant.
Genome position (GRCh38, 1-based): chr15:90,760,206, A>G. VCF-style: chr15-90760206-A-G. GRCh37 (hg19) VCF-style: chr15-91303436-A-G.
Other names: c.1147A>G, p.Ile383Val (NM_001287246.2, NM_001287247.2); c.22A>G, p.Ile8Val (NM_001287248.2); short protein forms I8V, I383V.
Identifiers: ClinVar variation 1471814 (VCV001471814.7), dbSNP rs1895933936, ClinGen allele CA393842417.

ClinVar aggregate classification (germline): Uncertain significance. Review status: criteria provided, multiple submitters, no conflicts (2 of 4 stars). 2 submissions from 2 submitters: Uncertain significance (2). Last evaluated 2022-05-04.

Conditions:
Bloom syndrome (BLM). Also called: Bloom-Torre-Machacek syndrome. Identifiers: Orphanet 125, MedGen C0005859, MONDO:0008876, OMIM 210900.

Allele frequency attached by ClinVar (database versions not stated): TOPMed below 0.00001.

Submissions (2):

Mendelics
Classification: Uncertain significance. Last evaluated: 2022-05-04. Review status: criteria provided, single submitter. Criteria: Mendelics Assertion Criteria 2019. Collection method: clinical testing. Allele origin: germline.

Labcorp Genetics (formerly Invitae), Labcorp
Classification: Uncertain significance for Bloom syndrome. Last evaluated: 2021-10-20. Review status: criteria provided, single submitter. Criteria: Invitae Variant Classification Sherloc (09022015). Collection method: clinical testing. Allele origin: germline.
Comment: This sequence change replaces isoleucine with valine at codon 383 of the BLM protein (p.Ile383Val). The isoleucine residue is weakly conserved and there is a small physicochemical difference between isoleucine and valine. This variant is not present in population databases (ExAC no frequency). This variant has not been reported in the literature in individuals affected with BLM-related conditions. Algorithms developed to predict the effect of missense changes on protein structure and function output the following: SIFT: "Tolerated"; PolyPhen-2: "Benign"; Align-GVGD: "Class C0". The valine amino acid residue is found in multiple mammalian species, which suggests that this missense change does not adversely affect protein function. In summary, the available evidence is currently insufficient to determine the role of this variant in disease. Therefore, it has been classified as a Variant of Uncertain Significance.